The following is an entry in ClinVar:

NM_001378414.1(HDAC4):c.1886A>G (p.His629Arg)

Gene: HDAC4 (histone deacetylase 4; minus strand). Cytogenetic location: 2q37.3.
Variant type: single nucleotide variant.
Coding change: c.1886A>G on transcript NM_001378414.1 (MANE Select); coding-DNA position 1886, A replaced by G.
Protein change: p.His629Arg; replaces histidine 629 with arginine.
Molecular consequence: missense variant.
Genome position (GRCh38, 1-based): chr2:239,111,618, T>C on the plus strand (A>G on the coding strand, the complement: HDAC4 is on the minus strand). VCF-style: chr2-239111618-T-C. GRCh37 (hg19) VCF-style: chr2-240033314-T-C.
Other names: c.1886A>G, p.His629Arg (NM_001378415.1); c.1871A>G, p.His624Arg (NM_001378416.1, NM_001378417.1, NM_006037.4); short protein forms H624R, H629R.
Identifiers: ClinVar variation 3363882 (VCV003363882.1).

ClinVar aggregate classification (germline): Uncertain significance (1 of 4 stars; one submission).

Submission:

GeneDx
Classification: Uncertain significance. Last evaluated: 2023-11-13. Review status: criteria provided, single submitter. Criteria: GeneDx Variant Classification Process June 2021. Collection method: clinical testing. Allele origin: germline. Affected: yes.
Comment: Not observed at significant frequency in large population cohorts (gnomAD); In silico analysis supports that this missense variant has a deleterious effect on protein structure/function; Has not been previously published as pathogenic or benign to our knowledge